The following is an entry in ClinVar:

ClinVar aggregate classification (germline): Uncertain significance (1 of 4 stars; one submission).

Conditions:
FGFR2-related craniosynostosis. Identifiers: MedGen CN231480.

gnomAD v4.1: 2 of 1,614,062 alleles (0.00012%); highest among the groups gnomAD compares: Admixed American, 0.0033%; no homozygotes.

Submission:

Labcorp Genetics (formerly Invitae), Labcorp
Classification: Uncertain significance for FGFR2-related craniosynostosis. Last evaluated: 2025-01-22. Review status: criteria provided, single submitter. Criteria: Invitae Variant Classification Sherloc (09022015). Collection method: clinical testing. Allele origin: germline.
Comment: This sequence change replaces asparagine, which is neutral and polar, with histidine, which is basic and polar, at codon 441 of the FGFR2 protein (p.Asn441His). This variant is present in population databases (no rsID available, gnomAD 0.003%). This variant has not been reported in the literature in individuals affected with FGFR2-related conditions. Invitae Evidence Modeling of protein sequence and biophysical properties (such as structural, functional, and spatial information, amino acid conservation, physicochemical variation, residue mobility, and thermodynamic stability) indicates that this missense variant is not expected to disrupt FGFR2 protein function with a negative predictive value of 80%. In summary, the available evidence is currently insufficient to determine the role of this variant in disease. Therefore, it has been classified as a Variant of Uncertain Significance.

NM_000141.5(FGFR2):c.1321A>C (p.Asn441His)

Gene: FGFR2 (fibroblast growth factor receptor 2; minus strand). Cytogenetic location: 10q26.13.
Variant type: single nucleotide variant.
Coding change: c.1321A>C on transcript NM_000141.5 (MANE Select); coding-DNA position 1321, A replaced by C.
Protein change: p.Asn441His; replaces asparagine 441 with histidine.
Molecular consequence: missense variant. On other transcripts: non-coding transcript variant (1).
Genome position (GRCh38, 1-based): chr10:121,503,908, T>G on the plus strand (A>C on the coding strand, the complement: FGFR2 is on the minus strand). VCF-style: chr10-121503908-T-G. GRCh37 (hg19) VCF-style: chr10-123263422-T-G.
Other names: c.1324A>C, p.Asn442His (NM_001144913.1, NM_022970.4); c.985A>C, p.Asn329His (NM_001144914.1); c.1054A>C, p.Asn352His (NM_001144915.2, NM_023029.3); c.976A>C, p.Asn326His (NM_001144916.2); c.973A>C, p.Asn325His (NM_001144917.2); c.970A>C, p.Asn324His (NM_001144918.2); c.1057A>C, p.Asn353His (NM_001144919.2); c.637A>C, p.Asn213His (NM_001320654.2); and 1 more; short protein forms N213H, N439H, N442H, N326H, N329H, N352H, N324H, N325H.
Identifiers: ClinVar variation 3676332 (VCV003676332.2).